The following is an entry in ClinVar:

NM_000455.5(STK11):c.1234A>G (p.Asn412Asp)

Gene: STK11 (serine/threonine kinase 11; plus strand). Cytogenetic location: 19p13.3.
Variant type: single nucleotide variant.
Coding change: c.1234A>G on transcript NM_000455.5 (MANE Select); coding-DNA position 1234, A replaced by G.
Protein change: p.Asn412Asp; replaces asparagine 412 with aspartic acid.
Molecular consequence: missense variant.
Genome position (GRCh38, 1-based): chr19:1,226,579, A>G. VCF-style: chr19-1226579-A-G. GRCh37 (hg19) VCF-style: chr19-1226578-A-G.
Other names: short protein forms N412D.
Identifiers: ClinVar variation 1055731 (VCV001055731.9), dbSNP rs2145436345, ClinGen allele CA402953903.

ClinVar aggregate classification (germline): Uncertain significance (1 of 4 stars; one submission).

Conditions:
Peutz-Jeghers syndrome (PJS). Also called: POLYPOSIS, HAMARTOMATOUS INTESTINAL; POLYPS-AND-SPOTS SYNDROME; Peutz-Jeghers polyposis; Periorificial lentiginosis syndrome. Identifiers: Orphanet 2869, MedGen C0031269, MeSH D010580, MONDO:0008280, OMIM 175200.

Submission:

Labcorp Genetics (formerly Invitae), Labcorp
Classification: Uncertain significance for Peutz-Jeghers syndrome. Last evaluated: 2025-07-31. Review status: criteria provided, single submitter. Criteria: Invitae Variant Classification Sherloc (09022015). Collection method: clinical testing. Allele origin: germline.
Comment: This sequence change replaces asparagine, which is neutral and polar, with aspartic acid, which is acidic and polar, at codon 412 of the STK11 protein (p.Asn412Asp). This variant is not present in population databases (gnomAD no frequency). This variant has not been reported in the literature in individuals affected with STK11-related conditions. ClinVar contains an entry for this variant (Variation ID: 1055731). Invitae Evidence Modeling of protein sequence and biophysical properties (such as structural, functional, and spatial information, amino acid conservation, physicochemical variation, residue mobility, and thermodynamic stability) indicates that this missense variant is not expected to disrupt STK11 protein function with a negative predictive value of 95%. In summary, the available evidence is currently insufficient to determine the role of this variant in disease. Therefore, it has been classified as a Variant of Uncertain Significance.